The following is an entry in ClinVar:

NM_001378457.1(DMXL2):c.934A>G (p.Ile312Val)

Gene: DMXL2 (Dmx like 2; minus strand). Cytogenetic location: 15q21.2.
Variant type: single nucleotide variant.
Coding change: c.934A>G on transcript NM_001378457.1 (MANE Select); coding-DNA position 934, A replaced by G.
Protein change: p.Ile312Val; replaces isoleucine 312 with valine.
Molecular consequence: missense variant. On other transcripts: non-coding transcript variant (2).
Genome position (GRCh38, 1-based): chr15:51,542,504, T>C on the plus strand (A>G on the coding strand, the complement: DMXL2 is on the minus strand). VCF-style: chr15-51542504-T-C. GRCh37 (hg19) VCF-style: chr15-51834701-T-C.
Other names: c.934A>G, p.Ile312Val (NM_001174116.3, NM_001174117.3, NM_001378458.1 and 7 more transcripts); short protein forms I312V.
Identifiers: ClinVar variation 1988242 (VCV001988242.2), dbSNP rs757135697, ClinGen allele CA7562702.

ClinVar aggregate classification (germline): Uncertain significance. Review status: criteria provided, multiple submitters, no conflicts (2 of 4 stars). 2 submissions from 2 submitters: Uncertain significance (2). Last evaluated 2022-11-17.

Conditions:
Inborn genetic diseases. Identifiers: MedGen C0950123, MeSH D030342.

Allele frequency attached by ClinVar (database versions not stated): ExAC 0.00001; gnomAD 0.00001; TOPMed 0.00003; gnomAD exomes 0.00004.
gnomAD v4.1: 58 of 1,605,980 alleles (0.0036%); highest among the groups gnomAD compares: Non-Finnish European, 0.0046%; no homozygotes.

Submissions (2):

Ambry Genetics
Classification: Uncertain significance for Inborn genetic diseases. Last evaluated: 2022-11-17. Review status: criteria provided, single submitter. Criteria: Ambry Variant Classification Scheme 2023. Collection method: clinical testing. Allele origin: germline.

Labcorp Genetics (formerly Invitae), Labcorp
Classification: Uncertain significance. Last evaluated: 2022-06-05. Review status: criteria provided, single submitter. Criteria: Invitae Variant Classification Sherloc (09022015). Collection method: clinical testing. Allele origin: germline.
Comment: This sequence change replaces isoleucine, which is neutral and non-polar, with valine, which is neutral and non-polar, at codon 312 of the DMXL2 protein (p.Ile312Val). This variant is present in population databases (rs757135697, gnomAD 0.007%). This variant has not been reported in the literature in individuals affected with DMXL2-related conditions. Algorithms developed to predict the effect of missense changes on protein structure and function (SIFT, PolyPhen-2, Align-GVGD) all suggest that this variant is likely to be tolerated. In summary, the available evidence is currently insufficient to determine the role of this variant in disease. Therefore, it has been classified as a Variant of Uncertain Significance.